The following is an entry in ClinVar:

ClinVar aggregate classification (germline): Uncertain significance (1 of 4 stars; one submission).

Submission:

Labcorp Genetics (formerly Invitae), Labcorp
Classification: Uncertain significance. Last evaluated: 2025-08-11. Review status: criteria provided, single submitter. Criteria: Invitae Variant Classification Sherloc (09022015). Collection method: clinical testing. Allele origin: germline.
Comment: This sequence change replaces asparagine, which is neutral and polar, with threonine, which is neutral and polar, at codon 3 of the KLF10 protein (p.Asn3Thr). This variant is not present in population databases (gnomAD no frequency). This variant has not been reported in the literature in individuals affected with KLF10-related conditions. An algorithm developed to predict the effect of missense changes on protein structure and function (PolyPhen-2) suggests that this variant is likely to be tolerated. In summary, the available evidence is currently insufficient to determine the role of this variant in disease. Therefore, it has been classified as a Variant of Uncertain Significance.

NM_005655.4(KLF10):c.8A>C (p.Asn3Thr)

Gene: KLF10 (KLF transcription factor 10; minus strand). Cytogenetic location: 8q22.3.
Variant type: single nucleotide variant.
Coding change: c.8A>C on transcript NM_005655.4 (MANE Select); coding-DNA position 8, A replaced by C.
Protein change: p.Asn3Thr; replaces asparagine 3 with threonine.
Molecular consequence: missense variant.
Genome position (GRCh38, 1-based): chr8:102,655,594, T>G on the plus strand (A>C on the coding strand, the complement: KLF10 is on the minus strand). VCF-style: chr8-102655594-T-G. GRCh37 (hg19) VCF-style: chr8-103667822-T-G.
Other names: short protein forms N3T.
Identifiers: ClinVar variation 4768748 (VCV004768748.1).